The following is an entry in ClinVar:

ClinVar aggregate classification (germline): Pathogenic. Review status: criteria provided, single submitter (1 of 4 stars). 2 submissions from 2 submitters: Pathogenic (1). 1 of the submissions does not count toward it. Last evaluated 2018-10-15.

Conditions:
Autosomal recessive nonsyndromic hearing loss 26. Also called: Deafness, autosomal recessive 26. Identifiers: Orphanet 90636, MedGen C1854275, MONDO:0011553, OMIM 605428.

Allele frequency attached by ClinVar (database versions not stated): gnomAD exomes below 0.00001.
gnomAD v4.1: 2 of 1,604,864 alleles (0.00012%); highest among the groups gnomAD compares: South Asian, 0.0022%; no homozygotes.

Submissions (2):

SIB Swiss Institute of Bioinformatics
Classification: Pathogenic for Autosomal recessive nonsyndromic hearing loss 26. Last evaluated: 2018-10-15. Review status: criteria provided, single submitter. Criteria: ACMG Guidelines, 2015. Collection method: curation. Allele origin: germline.
Comment: This variant is interpreted as Pathogenic, for Deafness, autosomal recessive, 26. The following ACMG Tag(s) were applied: PP3 => Multiple lines of computational evidence support a deleterious effect on the gene or gene product. PM2 => Absent from controls (or at extremely low frequency if recessive) in Exome Sequencing Project, 1000 Genomes Project, or Exome Aggregation Consortium. PP1-Moderate => PP1 upgraded in strength to Moderate (PubMed 29408807). PM1 => Located in a mutational hot spot and/or critical and well-established functional domain (e.g., active site of an enzyme) without benign variation (PubMed 29408807). PS3 => Well-established functional studies show a deleterious effect (PubMed 29408807).

OMIM
Classification: Pathogenic for DEAFNESS, AUTOSOMAL RECESSIVE 26 (1 family). Last evaluated: 2021-08-06. Review status: no assertion criteria provided. Collection method: literature only. Allele origin: germline. Not counted in ClinVar's aggregate classification.

Literature cited by the submitters: PubMed 29408807 (cited by SIB Swiss Institute of Bioinformatics and OMIM); PubMed 11101839 (cited by OMIM).

NM_002039.4(GAB1):c.347G>A (p.Gly116Glu)

Gene: GAB1 (GRB2 associated binding protein 1; plus strand). Cytogenetic location: 4q31.21.
Variant type: single nucleotide variant.
Coding change: c.347G>A on transcript NM_002039.4 (MANE Select); coding-DNA position 347, G replaced by A.
Protein change: p.Gly116Glu; replaces glycine 116 with glutamic acid.
Molecular consequence: missense variant.
Genome position (GRCh38, 1-based): chr4:143,415,751, G>A. VCF-style: chr4-143415751-G-A. GRCh37 (hg19) VCF-style: chr4-144336904-G-A.
Other names: c.347G>A, p.Gly116Glu (NM_207123.3); short protein forms G116E.
Identifiers: ClinVar variation 545492 (VCV000545492.2), dbSNP rs1553950635, ClinGen allele CA358391765.